The following is an entry in ClinVar:

NM_015311.3(OBSL1):c.5202C>A (p.Asp1734Glu)

Gene: OBSL1 (obscurin like cytoskeletal adaptor 1; minus strand). Cytogenetic location: 2q35.
Variant type: single nucleotide variant.
Coding change: c.5202C>A on transcript NM_015311.3 (MANE Select); coding-DNA position 5202, C replaced by A.
Protein change: p.Asp1734Glu; replaces aspartic acid 1734 with glutamic acid.
Molecular consequence: missense variant.
Genome position (GRCh38, 1-based): chr2:219,552,642, G>T on the plus strand (C>A on the coding strand, the complement: OBSL1 is on the minus strand). VCF-style: chr2-219552642-G-T. GRCh37 (hg19) VCF-style: chr2-220417364-G-T.
Other names: short protein forms D1734E.
Identifiers: ClinVar variation 283126 (VCV000283126.51), dbSNP rs181520135, ClinGen allele CA2130324.

ClinVar aggregate classification (germline): Benign/Likely benign. Review status: criteria provided, multiple submitters, no conflicts (2 of 4 stars). 7 submissions from 7 submitters: Benign (6); Likely benign (1). Last evaluated 2026-07-01.

Conditions:
3M syndrome 2. Also called: 3-M Syndrome, OBSL1-Related; THREE M SYNDROME 2. Identifiers: Orphanet 2616, MedGen C2752041, MONDO:0013039, OMIM 612921.

Allele frequency attached by ClinVar (database versions not stated): 1000 Genomes Project 0.00459; 1000 Genomes Project 30x 0.00515; gnomAD exomes 0.00680 and 0.01042; gnomAD 0.00743 and 0.00757; ESP Exome Variant Server 0.00797; TOPMed 0.00812; ExAC 0.00973.
gnomAD v4.1: 15,689 of 1,552,492 alleles (1%); highest among the groups gnomAD compares: Non-Finnish European, 1.2%; 93 homozygotes.

Submissions (7):

CeGaT Center for Human Genetics Tuebingen
Classification: Benign. Last evaluated: 2026-07-01. Review status: criteria provided, single submitter. Criteria: CeGaT Center For Human Genetics Tuebingen Variant Classification Criteria Version 2. Collection method: clinical testing. Allele origin: germline. Affected: yes. Observed: 6 variant alleles.
Comment: OBSL1: BS1, BS2

Women's Health and Genetics/Laboratory Corporation of America, LabCorp
Classification: Likely benign. Last evaluated: 2026-05-11. Review status: criteria provided, single submitter. Criteria: LabCorp Variant Classification Summary - May 2015. Collection method: clinical testing. Allele origin: germline.

Labcorp Genetics (formerly Invitae), Labcorp
Classification: Benign. Last evaluated: 2026-02-01. Review status: criteria provided, single submitter. Criteria: Invitae Variant Classification Sherloc (09022015). Collection method: clinical testing. Allele origin: germline.

Fulgent Genetics
Classification: Benign for 3M syndrome 2. Last evaluated: 2022-01-05. Review status: criteria provided, single submitter. Criteria: ACMG Guidelines, 2015. Collection method: clinical testing. Allele origin: unknown.

Illumina Laboratory Services, Illumina
Classification: Benign for 3M syndrome 2. Last evaluated: 2018-01-13. Review status: criteria provided, single submitter. Criteria: ICSL Variant Classification Criteria 13 December 2019. Collection method: clinical testing. Allele origin: germline.
Comment: This variant was observed in the ICSL laboratory as part of a predisposition screen in an ostensibly healthy population. It had not been previously curated by ICSL or reported in the Human Gene Mutation Database (HGMD: prior to June 1st, 2018), and was therefore a candidate for classification through an automated scoring system. Utilizing variant allele frequency, disease prevalence and penetrance estimates, and inheritance mode, an automated score was calculated to assess if this variant is too frequent to cause the disease. Based on the score and internal cut-off values, a variant classified as benign is not then subjected to further curation. The score for this variant resulted in a classification of benign for this disease.

Eurofins Ntd Llc (ga)
Classification: Benign. Last evaluated: 2015-09-28. Review status: criteria provided, single submitter. Criteria: EGL Classification Definitions 2015. Collection method: clinical testing. Allele origin: germline. Observed: 1 variant allele, 1 heterozygote.

Breakthrough Genomics
Classification: Benign. Review status: criteria provided, single submitter. Criteria: ACMG Guidelines, 2015. Collection method: not provided. Allele origin: germline. Inheritance: Autosomal recessive inheritance. Affected: yes.